The following is an entry in ClinVar:

NM_000548.5(TSC2):c.3196C>G (p.Leu1066Val)

Gene: TSC2 (TSC complex subunit 2; plus strand). Cytogenetic location: 16p13.3.
Variant type: single nucleotide variant.
Coding change: c.3196C>G on transcript NM_000548.5 (MANE Select); coding-DNA position 3196, C replaced by G.
Protein change: p.Leu1066Val; replaces leucine 1066 with valine.
Molecular consequence: missense variant.
Genome position (GRCh38, 1-based): chr16:2,079,340, C>G. VCF-style: chr16-2079340-C-G. GRCh37 (hg19) VCF-style: chr16-2129341-C-G.
Other names: c.3064C>G, p.Leu1022Val (NM_001077183.3, NM_001370404.1); c.3196C>G, p.Leu1066Val (NM_001114382.3); c.2956C>G, p.Leu986Val (NM_001318827.2); c.2920C>G, p.Leu974Val (NM_001318829.2); c.2464C>G, p.Leu822Val (NM_001318831.2); c.3097C>G, p.Leu1033Val (NM_001318832.2); c.3067C>G, p.Leu1023Val (NM_001363528.2, NM_001370405.1, NM_021055.3); short protein forms L822V, L1023V, L986V, L1022V, L1033V, L1066V, L974V.
Identifiers: ClinVar variation 854265 (VCV000854265.9), dbSNP rs886051793, ClinGen allele CA394285679.

ClinVar aggregate classification (germline): Uncertain significance (1 of 4 stars; one submission).

Conditions:
Tuberous sclerosis 2 (TSC2). Identifiers: Orphanet 805, MedGen C1860707, MONDO:0013199, OMIM 613254.

Submission:

Labcorp Genetics (formerly Invitae), Labcorp
Classification: Uncertain significance for Tuberous sclerosis 2. Last evaluated: 2025-04-27. Review status: criteria provided, single submitter. Criteria: Invitae Variant Classification Sherloc (09022015). Collection method: clinical testing. Allele origin: germline.
Comment: This sequence change replaces leucine, which is neutral and non-polar, with valine, which is neutral and non-polar, at codon 1066 of the TSC2 protein (p.Leu1066Val). This variant is not present in population databases (gnomAD no frequency). This variant has not been reported in the literature in individuals affected with TSC2-related conditions. ClinVar contains an entry for this variant (Variation ID: 854265). Invitae Evidence Modeling of protein sequence and biophysical properties (such as structural, functional, and spatial information, amino acid conservation, physicochemical variation, residue mobility, and thermodynamic stability) indicates that this missense variant is not expected to disrupt TSC2 protein function with a negative predictive value of 95%. In summary, the available evidence is currently insufficient to determine the role of this variant in disease. Therefore, it has been classified as a Variant of Uncertain Significance.